The following is an entry in ClinVar:

ClinVar aggregate classification (germline): Conflicting classifications of pathogenicity. Review status: criteria provided, conflicting classifications (1 of 4 stars). 4 submissions from 3 submitters: Uncertain significance (3); Likely benign (1). Last evaluated 2025-08-31.

Conditions:
Hereditary cancer-predisposing syndrome. Also called: Hereditary Cancer Syndrome; Neoplastic Syndromes, Hereditary; Tumor predisposition; Hereditary neoplastic syndrome. Identifiers: Orphanet 140162, MedGen C0027672, MeSH D009386, MONDO:0015356.
Cardiovascular phenotype. Identifiers: MedGen CN230736.
Neurofibromatosis, type 1 (NF1). Also called: NEUROFIBROMATOSIS, TYPE I, SOMATIC; VON RECKLINGHAUSEN DISEASE; Peripheral type neurofibromatosis; Neurofibromatosis, type I. Identifiers: Orphanet 636, MedGen C0027831, MONDO:0018975, OMIM 162200. Disease mechanism: loss of function.

Allele frequency attached by ClinVar (database versions not stated): gnomAD exomes below 0.00001.
gnomAD v4.1: 2 of 1,613,674 alleles (0.00012%); highest among the groups gnomAD compares: Non-Finnish European, 0.00017%; no homozygotes.

Submissions (4):

Labcorp Genetics (formerly Invitae), Labcorp
Classification: Likely benign for Neurofibromatosis, type 1. Last evaluated: 2025-08-31. Review status: criteria provided, single submitter. Criteria: Invitae Variant Classification Sherloc (09022015). Collection method: clinical testing. Allele origin: germline.

Genome-Nilou Lab
Classification: Uncertain significance for Neurofibromatosis, type 1. Last evaluated: 2022-03-15. Review status: criteria provided, single submitter. Criteria: ACMG Guidelines, 2015. Collection method: clinical testing. Allele origin: germline. Affected: no.

Ambry Genetics
Classification: Uncertain significance for Cardiovascular phenotype; Hereditary cancer-predisposing syndrome. Last evaluated: 2021-10-14. Review status: criteria provided, single submitter. Criteria: Ambry Variant Classification Scheme 2023. Collection method: clinical testing. Allele origin: germline.

Ambry Genetics
Classification: Uncertain significance for Hereditary cancer-predisposing syndrome. Last evaluated: 2015-10-12. Review status: criteria provided, single submitter. Criteria: Ambry Autosomal Dominant and X-Linked criteria (10/2015). Collection method: clinical testing. Allele origin: germline. Observed: 1 variant allele.
Comment: The p.E41A variant (also known as c.122A>C), located in coding exon 2 of the NF1 gene, results from an A to C substitution at nucleotide position 122. The glutamic acid at codon 41 is replaced by alanine, an amino acid with dissimilar properties. This variant was not reported in population based cohorts in the following databases: Database of Single Nucleotide Polymorphisms (dbSNP), NHLBI Exome Sequencing Project (ESP), and 1000 Genomes Project. In the ESP, this variant was not observed in 6502 samples (13004 alleles) with coverage at this position.<span style="background-color:initial">To date, this alteration has been detected with an allele frequency of approximately 0.01% (greater than 55000 alleles tested) in our clinical cohort.<span style="background-color:initial">This amino acid position is highly conserved in available vertebrate species. In addition, the in silico prediction for this alteration is inconclusive.<span style="background-color:initial">Since supporting evidence is limited at this time, the clinical significance of p.E41A remains unclear.

NM_001042492.3(NF1):c.122A>C (p.Glu41Ala)

Gene: NF1 (neurofibromin 1; plus strand). Cytogenetic location: 17q11.2.
Variant type: single nucleotide variant.
Coding change: c.122A>C on transcript NM_001042492.3 (MANE Select); coding-DNA position 122, A replaced by C.
Protein change: p.Glu41Ala; replaces glutamic acid 41 with alanine.
Molecular consequence: missense variant.
Genome position (GRCh38, 1-based): chr17:31,156,044, A>C. VCF-style: chr17-31156044-A-C. GRCh37 (hg19) VCF-style: chr17-29483062-A-C.
Other names: c.122A>C, p.Glu41Ala (NM_000267.4, NM_001128147.3); short protein forms E41A.
Identifiers: ClinVar variation 186556 (VCV000186556.13), dbSNP rs786203038, ClinGen allele CA195162.